The following is an entry in ClinVar:

ClinVar aggregate classification (germline): Benign (0 of 4 stars; one submission).

Conditions:
ALPK2-related disorder. Also called: ALPK2-related condition.

Submission:

PreventionGenetics, part of Exact Sciences
Classification: Benign for ALPK2-related condition. Last evaluated: 2019-11-06. Review status: no assertion criteria provided. Collection method: clinical testing. Allele origin: germline.
Comment: This variant is classified as benign based on ACMG/AMP sequence variant interpretation guidelines (Richards et al. 2015 PMID: 25741868, with internal and published modifications).

NM_052947.4(ALPK2):c.5629+9_5629+10del

Gene: ALPK2 (alpha kinase 2; minus strand). Cytogenetic location: 18q21.31.
Variant type: Microsatellite.
Coding change: c.5629+9_5629+10del on transcript NM_052947.4 (MANE Select); bases 9 to 10 of the intron after coding-DNA position 5629, 2 bases deleted (CA; older notation c.5629+9_5629+10delCA).
Molecular consequence: intron variant.
Genome position (GRCh38, 1-based): chr18:58,523,925-58,523,926, TG deleted on the plus strand (CA on the coding strand, the reverse complement: ALPK2 is on the minus strand); deleting any 2 consecutive bases within chr18:58,523,925-58,523,928 gives the same sequence; the c. name uses the placement nearest the transcript's 3' end. VCF-style (leftmost placement, unchanged base first): chr18-58523924-CTG-C. GRCh37 (hg19) VCF-style: chr18-56191156-CTG-C.
Identifiers: ClinVar variation 3033408 (VCV003033408.2), dbSNP rs144956515, ClinGen allele CA8976429.